The following is an entry in ClinVar:

NM_000152.5(GAA):c.2367dup (p.Pro790fs)

Gene: GAA (alpha glucosidase; plus strand). Cytogenetic location: 17q25.3.
Variant type: Duplication.
Coding change: c.2367dup on transcript NM_000152.5 (MANE Select); coding-DNA position 2367, one base duplicated (A; older notation c.2367dupA).
Protein change: p.Pro790fs; shifts the reading frame from proline 790.
Molecular consequence: frameshift variant.
Genome position (GRCh38, 1-based): chr17:80,117,635, A duplicated. VCF-style (leftmost placement, unchanged base first): chr17-80117634-C-CA. GRCh37 (hg19) VCF-style: chr17-78091433-C-CA.
Other names: NM_000152.5(GAA):c.2367dup; p.Pro790fs; c.2367dup, p.Pro790fs (NM_001079803.3, NM_001079804.3); c.2367dup (LRG_673t1); c.2367dupA (NM_000152.3); short protein forms P790fs.
Identifiers: ClinVar variation 558571 (VCV000558571.13), dbSNP rs1555602860, ClinGen allele CA658824788.

ClinVar aggregate classification (germline): Likely pathogenic. Review status: reviewed by expert panel (3 of 4 stars). 3 submissions from 3 submitters: Likely pathogenic (1). 2 of the submissions do not count toward it. Last evaluated 2024-04-05.

Conditions:
Glycogen storage disease, type II (IOPD). Also called: Pompe Disease; POMPE DISEASE, INFANTILE-ONSET; GLYCOGEN STORAGE DISEASE II, INFANTILE-ONSET; ACID ALPHA-GLUCOSIDASE DEFICIENCY, INFANTILE-ONSET; GAA DEFICIENCY, INFANTILE-ONSET; ACID MALTASE DEFICIENCY, INFANTILE-ONSET. Identifiers: Orphanet 365, MedGen C0017921, MONDO:0009290, OMIM 232300.

Submissions (3):

ClinGen Lysosomal Storage Disorder Variant Curation Expert Panel
Classification: Likely pathogenic for Glycogen storage disease, type II. Last evaluated: 2024-04-05. Review status: reviewed by expert panel. Criteria: clingen_lsd_acmg_specifications_v2-1. Collection method: curation. Allele origin: germline. Inheritance: Autosomal recessive inheritance.
Comment: The NM_000152.5:c.2367dup (p.Pro790ThrfsTer6) variant in GAA is a frameshift variant predicted to cause a premature stop codon in biologically-relevant-exon 17 of 20, leading to nonsense mediated decay in a gene in which loss-of-function is an established disease mechanism (PVS1). This variant is absent in gnomAD v2.1.1 (PM2_Supporting). To our knowledge, this variant has not been reported in the literature in patients with Pompe disease. There is a ClinVar entry for this variant (Variation ID: 558571). This variant meets the criteria to be classified as likely pathogenic for Pompe disease. The classification of this variant has been upgraded from Variant of Uncertain Significance to likely pathogenic based on the recommendations of the ClinGen Sequence Variant Interpretation Working Group, that a variant meeting PVS1 and PM2_Supporting is classified as Likely Pathogenic. The classification was first approved by the ClinGen Lysosomal Diseases Variant Curation Expert Panel on September 7, 2021. Since then, the data for this variant have been re-evaluated - no new data were identified. The classification of likely pathogenic was reapproved on April 5, 2024. GAA-specific ACMG/AMP criteria met, as specified by the ClinGen Lysosomal Diseases Variant Curation Expert Panel (Specifications Version 2.0): PVS1, PM2_Supporting.

Labcorp Genetics (formerly Invitae), Labcorp
Classification: Pathogenic for Glycogen storage disease, type II. Last evaluated: 2018-07-17. Review status: criteria provided, single submitter. Criteria: Invitae Variant Classification Sherloc (09022015). Collection method: clinical testing. Allele origin: germline. Not counted in ClinVar's aggregate classification.
Comment: This sequence change creates a premature translational stop signal (p.Pro790Thrfs*6) in the GAA gene. It is expected to result in an absent or disrupted protein product. This variant is not present in population databases (ExAC no frequency). This variant has not been reported in the literature in individuals with GAA-related disease. Loss-of-function variants in GAA are known to be pathogenic (PMID: 2252923, 18425781, 22252923). For these reasons, this variant has been classified as Pathogenic.

Counsyl
Classification: Likely pathogenic for Glycogen storage disease, type II. Last evaluated: 2018-05-29. Review status: no assertion criteria provided. Collection method: clinical testing. Allele origin: unknown. Not counted in ClinVar's aggregate classification.

Literature cited by the submitters: PubMed 2252923 (cited by Labcorp Genetics (formerly Invitae), Labcorp); PubMed 18425781 (cited by Labcorp Genetics (formerly Invitae), Labcorp); PubMed 22252923 (cited by Labcorp Genetics (formerly Invitae), Labcorp).